The following is an entry in ClinVar:

NM_001458.5(FLNC):c.439A>G (p.Met147Val)

Gene: FLNC (filamin C; plus strand). Cytogenetic location: 7q32.1.
Variant type: single nucleotide variant.
Coding change: c.439A>G on transcript NM_001458.5 (MANE Select); coding-DNA position 439, A replaced by G.
Protein change: p.Met147Val; replaces methionine 147 with valine.
Molecular consequence: missense variant.
Genome position (GRCh38, 1-based): chr7:128,835,412, A>G. VCF-style: chr7-128835412-A-G. GRCh37 (hg19) VCF-style: chr7-128475466-A-G.
Other names: c.439A>G (NM_001458.4); c.439A>G, p.Met147Val (NM_001127487.2); short protein forms M147V.
Identifiers: ClinVar variation 1362460 (VCV001362460.10), dbSNP rs539316555, ClinGen allele CA4474035.

ClinVar aggregate classification (germline): Uncertain significance. Review status: criteria provided, multiple submitters, no conflicts (2 of 4 stars). 2 submissions from 2 submitters: Uncertain significance (2). Last evaluated 2025-05-18.

Conditions:
Distal myopathy with posterior leg and anterior hand involvement. Also called: WILLIAMS DISTAL MYOPATHY. Identifiers: Orphanet 63273, MedGen C3279722, MONDO:0013550, OMIM 614065.
Myofibrillar myopathy 5. Also called: Filaminopathy (type); FILAMINOPATHY, AUTOSOMAL DOMINANT. Identifiers: Orphanet 171445, MedGen C1836050, MONDO:0012289, OMIM 609524.
Hypertrophic cardiomyopathy 26. Also called: Cardiomyopathy, familial hypertrophic, 26. Identifiers: Orphanet 75249, MedGen C4310749, MONDO:0014883, OMIM 617047.
Cardiovascular phenotype. Identifiers: MedGen CN230736.

Allele frequency attached by ClinVar (database versions not stated): TOPMed below 0.00001; gnomAD 0.00001; gnomAD exomes 0.00001; ExAC 0.00002; 1000 Genomes Project 30x 0.00016; 1000 Genomes Project 0.00020.

Submissions (2):

Ambry Genetics
Classification: Uncertain significance for Cardiovascular phenotype. Last evaluated: 2025-05-18. Review status: criteria provided, single submitter. Criteria: Ambry Variant Classification Scheme 2023. Collection method: clinical testing. Allele origin: germline.

Labcorp Genetics (formerly Invitae), Labcorp
Classification: Uncertain significance for Distal myopathy with posterior leg and anterior hand involvement; Myofibrillar myopathy 5; Hypertrophic cardiomyopathy 26. Last evaluated: 2024-10-22. Review status: criteria provided, single submitter. Criteria: Invitae Variant Classification Sherloc (09022015). Collection method: clinical testing. Allele origin: germline.
Comment: This sequence change replaces methionine, which is neutral and non-polar, with valine, which is neutral and non-polar, at codon 147 of the FLNC protein (p.Met147Val). This variant is present in population databases (rs539316555, gnomAD 0.006%). This variant has not been reported in the literature in individuals affected with FLNC-related conditions. ClinVar contains an entry for this variant (Variation ID: 1362460). Invitae Evidence Modeling of protein sequence and biophysical properties (such as structural, functional, and spatial information, amino acid conservation, physicochemical variation, residue mobility, and thermodynamic stability) has been performed for this missense variant. However, the output from this modeling did not meet the statistical confidence thresholds required to predict the impact of this variant on FLNC protein function. In summary, the available evidence is currently insufficient to determine the role of this variant in disease. Therefore, it has been classified as a Variant of Uncertain Significance.